The following is an entry in ClinVar:

ClinVar aggregate classification (germline): Benign (1 of 4 stars; one submission).

Allele frequency attached by ClinVar (database versions not stated): gnomAD 0.05938 and 0.06230; 1000 Genomes Project 0.06070; 1000 Genomes Project 30x 0.06293; TOPMed 0.06514.
gnomAD v4.1: 8,974 of 152,274 alleles (5.9%); highest among the groups gnomAD compares: African/African-American, 16%; 546 homozygotes.

Submission:

GeneDx
Classification: Benign. Last evaluated: 2018-06-14. Review status: criteria provided, single submitter. Criteria: GeneDx Variant Classification (06012015). Collection method: clinical testing. Allele origin: germline. Affected: yes.
Comment: This variant is considered likely benign or benign based on one or more of the following criteria: it is a conservative change, it occurs at a poorly conserved position in the protein, it is predicted to be benign by multiple in silico algorithms, and/or has population frequency not consistent with disease.

NM_177550.5(SLC13A5):c.548-292C>T

Gene: SLC13A5 (solute carrier family 13 member 5; minus strand). Cytogenetic location: 17p13.1.
Variant type: single nucleotide variant.
Coding change: c.548-292C>T on transcript NM_177550.5 (MANE Select); 292 bases into the intron before coding-DNA position 548, C replaced by T.
Molecular consequence: intron variant.
Genome position (GRCh38, 1-based): chr17:6,703,430, G>A on the plus strand (C>T on the coding strand, the complement: SLC13A5 is on the minus strand). VCF-style: chr17-6703430-G-A. GRCh37 (hg19) VCF-style: chr17-6606749-G-A.
Other names: c.419-292C>T (NM_001284510.2); c.497-292C>T (NM_001284509.2); c.548-292C>T (NM_001143838.3).
Identifiers: ClinVar variation 669654 (VCV000669654.1), dbSNP rs73976252, ClinGen allele CA14459741.